The following is an entry in ClinVar:

ClinVar aggregate classification (germline): Pathogenic/Likely pathogenic. Review status: criteria provided, multiple submitters, no conflicts (2 of 4 stars). 11 submissions from 11 submitters: Pathogenic (6); Likely pathogenic (2). 3 of the submissions do not count toward it. Last evaluated 2025-06-06.

Conditions:
Autosomal recessive limb-girdle muscular dystrophy type 2O. Also called: MUSCULAR DYSTROPHY-DYSTROGLYCANOPATHY (LIMB-GIRDLE), TYPE C, 3; MUSCULAR DYSTROPHY-DYSTROGLYCANOPATHY, LIMB-GIRDLE, POMGNT1-RELATED; Limb-Girdle Muscular Dystrophy Type 3C. Identifiers: Orphanet 206564, MedGen C3150417, MONDO:0013161, OMIM 613157.
Muscular dystrophy-dystroglycanopathy (congenital with impaired intellectual development), type B, 3. Also called: Muscular dystrophy-dystroglycanopathy (congenital with intellectual disability), type B3; MUSCULAR DYSTROPHY, CONGENITAL, POMGNT1-RELATED. Identifiers: MedGen C3150412, MONDO:0013155, OMIM 613151.
Retinitis pigmentosa 76 (RP76). Identifiers: MedGen C4310704, MONDO:0014929, OMIM 617123.
Muscular dystrophy-dystroglycanopathy (congenital with brain and eye anomalies), type A3. Also called: Muscular dystrophy-dystroglycanopathy (congenital with brain and eye anomalies), type A, 3; Congenital muscular dystrophy-dystroglycanopathy with brain and eye anomalies, type A3; WALKER-WARBURG SYNDROME OR MUSCLE-EYE-BRAIN DISEASE, POMGNT1-RELATED. Identifiers: MedGen C3151519, MONDO:0009667, OMIM 253280.
Muscular dystrophy-dystroglycanopathy. Also called: Congenital muscular dystrophy due to dystroglycanopathy. Identifiers: Orphanet 370953, MedGen C5679911, MONDO:0018276.
POMGNT1-related disorder. Also called: POMGNT1-related condition; POMGNT1-related disorders. Identifiers: MedGen CN239299.
Muscle eye brain disease (MEB). Also called: Santavuori congenital muscular dystrophy. Identifiers: Orphanet 588, Orphanet 899, MedGen C0457133, MONDO:0018939.
Type 2 diabetes mellitus. Also called: Type II diabetes mellitus. Identifiers: MedGen C0011860, MeSH D003924, MONDO:0005148, OMIM 125853, HP:0005978.

Allele frequency attached by ClinVar (database versions not stated): TOPMed 0.00001; ExAC 0.00002.
gnomAD v4.1: 28 of 1,612,844 alleles (0.0017%); highest among the groups gnomAD compares: East Asian, 0.0045%; no homozygotes.

Submissions (11):

Natera, Inc.
Classification: Pathogenic for Muscle-eye-brain disease. Last evaluated: 2025-06-06. Review status: criteria provided, single submitter. Criteria: Natera Variant Classification Schema (03/2026). Collection method: clinical testing. Allele origin: germline.
Comment: The c.1814G>A variant in POMGNT1 is a missense variant predicted to cause substitution of arginine to histidine at amino acid 605. This variant has been observed in one or more individuals affected with the associated recessive disease, as either homozygous or compound heterozygous with a second variant (PMID: 17906881, 12849864, 24731844). Given the available evidence, this variant is classified as Pathogenic.

Labcorp Genetics (formerly Invitae), Labcorp
Classification: Pathogenic for Autosomal recessive limb-girdle muscular dystrophy type 2O; Muscular dystrophy-dystroglycanopathy (congenital with impaired intellectual development), type B, 3. Last evaluated: 2025-02-19. Review status: criteria provided, single submitter. Criteria: Invitae Variant Classification Sherloc (09022015). Collection method: clinical testing. Allele origin: germline.
Comment: This sequence change replaces arginine, which is basic and polar, with histidine, which is basic and polar, at codon 605 of the POMGNT1 protein (p.Arg605His). This variant is present in population databases (rs267606962, gnomAD 0.009%). This missense change has been observed in individuals with muscle-eye-brain disease (PMID: 12849864, 21361872). This variant is also known as G1908A. ClinVar contains an entry for this variant (Variation ID: 56589). Invitae Evidence Modeling of protein sequence and biophysical properties (such as structural, functional, and spatial information, amino acid conservation, physicochemical variation, residue mobility, and thermodynamic stability) indicates that this missense variant is expected to disrupt POMGNT1 protein function with a positive predictive value of 95%. Experimental studies have shown that this missense change affects POMGNT1 function (PMID: 21361872). This variant disrupts the p.Arg605 amino acid residue in POMGNT1. Other variant(s) that disrupt this residue have been determined to be pathogenic (PMID: 19679478, 21361872, 24731844; internal data). This suggests that this residue is clinically significant, and that variants that disrupt this residue are likely to be disease-causing. For these reasons, this variant has been classified as Pathogenic.

GeneDx
Classification: Pathogenic. Last evaluated: 2024-08-12. Review status: criteria provided, single submitter. Criteria: GeneDx Variant Classification Process June 2021. Collection method: clinical testing. Allele origin: germline. Affected: yes.
Comment: Published functional studies demonstrate a complete loss of catalytic activity (PMID: 21361872); Not observed at significant frequency in large population cohorts (gnomAD); In silico analysis supports that this missense variant has a deleterious effect on protein structure/function; This variant is associated with the following publications: (PMID: 17906881, 20215985, 17154333, 12849864, 33726816, 33200426, 31964843, 35846108, 24731844, 21361872)

Fulgent Genetics
Classification: Pathogenic for Muscular dystrophy-dystroglycanopathy (congenital with brain and eye anomalies), type A3; Muscular dystrophy-dystroglycanopathy (congenital with impaired intellectual development), type B, 3; Autosomal recessive limb-girdle muscular dystrophy type 2O; Retinitis pigmentosa 76. Last evaluated: 2024-05-31. Review status: criteria provided, single submitter. Criteria: ACMG Guidelines, 2015. Collection method: clinical testing. Allele origin: germline.

Baylor Genetics
Classification: Pathogenic for Muscular dystrophy-dystroglycanopathy (congenital with brain and eye anomalies), type A3. Last evaluated: 2024-02-15. Review status: criteria provided, single submitter. Criteria: ACMG Guidelines, 2015. Collection method: clinical testing. Allele origin: unknown.

Blueprint Genetics
Classification: Pathogenic for POMGNT1-related disorders. Last evaluated: 2023-01-26. Review status: criteria provided, single submitter. Criteria: ACMG Guidelines, 2015. Collection method: clinical testing. Allele origin: germline. Affected: yes. Observed: 5 variant alleles.

Broad Center for Mendelian Genomics, Broad Institute of MIT and Harvard
Classification: Likely pathogenic for Muscular dystrophy-dystroglycanopathy. Last evaluated: 2023-01-24. Review status: criteria provided, single submitter. Criteria: ACMG Guidelines, 2015. Collection method: curation. Allele origin: germline. Inheritance: Autosomal recessive inheritance.
Comment: The p.Arg605His variant in POMGNT1 has been reported in at least six individuals with POMGNT1-associated muscular dystrophy-dystroglycanopathy (PMID: 33726816, 17154333, 12849864, 17906881, 20215985), and has been identified in 0.009% (2/21378) of European (Finnish) chromosomes by the Genome Aggregation Database (gnomAD; dbSNP ID: rs267606962). Although this variant has been seen in the general population in a heterozygous state, its frequency is low enough to be consistent with a recessive carrier frequency. This variant has also been reported in ClinVar (Variation ID #56589) as pathogenic by Invitae and GeneDx, as probable-pathogenic by Juha Muilu Group; Institute for Molecular Medicine Finland (FIMM), and as Likely Pathogenic by Counsyl and the Clinical Genetics Karolinska University Hospital (Karolinska University Hospital). Of the six affected individuals, two were homozygous, and two were compound heterozygotes who carried pathogenic/likely pathogenic variants in trans, which increases the likelihood that the p.Arg605His variant is pathogenic (PMID: 33726816, 17154333, 12849864, 17906881). In vitro functional studies provide some evidence that the p.Arg605His variant may impact protein function, as reflected by reduced catalytic activity in an in vitro enzymatic activity assay (PMID: 21361872). However, these types of assays may not accurately represent biological function. Computational prediction tools and conservation analyses suggest that this variant may impact the protein, though this information is not predictive enough to determine pathogenicity. In summary, although additional studies are required to fully establish its clinical significance, this variant is likely pathogenic for POMGNT1-associated muscular dystrophy-dystroglycanopathy. ACMG/AMP Criteria applied: PM3_Strong, PM2_supporting, PS3_Supporting, PP3 (Richards 2015).

Clinical Genetics and Genomics, Karolinska University Hospital
Classification: Likely pathogenic. Last evaluated: 2016-01-12. Review status: criteria provided, single submitter. Criteria: ACMG Guidelines, 2015. Collection method: clinical testing. Allele origin: germline. Affected: yes. Observed: 3 variant alleles.

Gene Friend Way, National Innovation Center
Classification: Likely pathogenic for Type 2 diabetes mellitus. Last evaluated: 2025-01-01. Review status: no assertion criteria provided. Collection method: clinical testing. Allele origin: unknown. Affected: yes. Observed: 1 variant allele. Not counted in ClinVar's aggregate classification.
Comment: This missense variant has been predicted to cause substitution of arginine to histidine at amino acid 605, leads to complete loss of catalytic activity (PMID: 21361872). In silico analysis also supports that this substitution has a deleterious effect on protein structure/function. Exome variants of POMGNT1 associated with type 2 diabetes have been reported (PMID: 26783077).

Counsyl
Classification: Likely pathogenic for Muscle eye brain disease. Last evaluated: 2014-10-10. Review status: no assertion criteria provided. Collection method: literature only. Allele origin: unknown. Inheritance: Autosomal recessive inheritance. Not counted in ClinVar's aggregate classification.

Juha Muilu Group; Institute for Molecular Medicine Finland (FIMM)
Classification: Likely pathogenic for Muscle eye brain disease. Review status: no assertion criteria provided. Collection method: not provided. Allele origin: unknown. Not counted in ClinVar's aggregate classification.
Comment: FinDis database variant: This variant was not found or characterized by our laboratory, data were collected from public sources: see reference
ClinVar note: Converted during submission from probable-pathogenic to Likely pathogenic.

Literature cited by the submitters: PubMed 17906881 (cited by Natera, Inc. and Counsyl); PubMed 12849864 (cited by 3 submitters); PubMed 24731844 (cited by 3 submitters); PubMed 21361872 (cited by 3 submitters); PubMed 19679478 (cited by Labcorp Genetics (formerly Invitae), Labcorp); PubMed 26783077 (cited by Gene Friend Way, National Innovation Center); PubMed 20215985 (cited by Counsyl); PubMed 17154333 (cited by Counsyl).

NM_017739.4(POMGNT1):c.1814G>A (p.Arg605His)

Genes: POMGNT1 (protein O-linked mannose N-acetylglucosaminyltransferase 1 (beta 1,2-); minus strand), TSPAN1 (tetraspanin 1; plus strand). Cytogenetic location: 1p34.1.
Variant type: single nucleotide variant.
Coding change: c.1814G>A on transcript NM_017739.4 (MANE Select); coding-DNA position 1814, G replaced by A.
Protein change: p.Arg605His; replaces arginine 605 with histidine.
Molecular consequence: missense variant.
Genome position (GRCh38, 1-based): chr1:46,189,539, C>T on the plus strand (G>A on the coding strand, the complement: POMGNT1 is on the minus strand). VCF-style: chr1-46189539-C-T. GRCh37 (hg19) VCF-style: chr1-46655211-C-T.
Other names: NM_017739.4(POMGNT1):c.1814G>A; p.Arg605His; c.1814G>A, p.Arg605His (NM_001410783.1, NM_001243766.2); c.1748G>A, p.Arg583His (NM_001290129.3); c.1385G>A, p.Arg462His (NM_001290130.2); short protein forms R605H, R583H, R462H.
Identifiers: ClinVar variation 56589 (VCV000056589.18), dbSNP rs267606962, ClinGen allele CA263958.
Genomic context (GRCh38, chr1:46,189,539, plus strand): 5'-CCCACCATCAGGAAGTGGTTCTTCTTCCGAAACAATCTCCACAGGCCCCGATGGTTGCCA[C>T]GCACATCCAGGTCCCAGATATGGAGGCACTAGTGAGGGTGGGATGGAGACAGAGACATGG-3'
Protein context (NP_060209.4, residues 595-615): KCLHIWDLDV[Arg605His]GNHRGLWRLF